The following is an entry in ClinVar:

ClinVar aggregate classification (germline): Likely benign (1 of 4 stars; one submission).

Conditions:
Charcot-Marie-Tooth disease type 4H (CMT4H). Also called: CHARCOT-MARIE-TOOTH DISEASE, DEMYELINATING, TYPE 4H; CHARCOT-MARIE-TOOTH DISEASE, AUTOSOMAL RECESSIVE, TYPE 4H; CHARCOT-MARIE-TOOTH DISEASE, DEMYELINATING, AUTOSOMAL RECESSIVE, TYPE 4H; CHARCOT-MARIE-TOOTH NEUROPATHY, TYPE 4H. Identifiers: Orphanet 99954, MedGen C1836336, MONDO:0012250, OMIM 609311.

Allele frequency attached by ClinVar (database versions not stated): 1000 Genomes Project 30x 0.00250; 1000 Genomes Project 0.00260; gnomAD 0.00419 and 0.00457; TOPMed 0.00544.

Submissions (2):

Illumina Laboratory Services, Illumina
Classification: Likely benign for Charcot-Marie-Tooth disease type 4H. Last evaluated: 2018-01-12. Review status: criteria provided, single submitter. Criteria: ICSL Variant Classification Criteria 13 December 2019. Collection method: clinical testing. Allele origin: germline.
Comment: This variant was observed in the ICSL laboratory as part of a predisposition screen in an ostensibly healthy population. It had not been previously curated by ICSL or reported in the Human Gene Mutation Database (HGMD: prior to June 1st, 2018), and was therefore a candidate for classification through an automated scoring system. Utilizing variant allele frequency, disease prevalence and penetrance estimates, and inheritance mode, an automated score was calculated to assess if this variant is too frequent to cause the disease. Based on the score and internal cut-off values, a variant classified as likely benign is not then subjected to further curation. The score for this variant resulted in a classification of likely benign for this disease.

Dr. Peter K. Rogan Lab, Western University
No classification provided (evidence only). Condition: Cervical cancer. Review status: no classification provided. Collection method: in vitro. Allele origin: not applicable. Functional consequence: retained intron. Not counted in ClinVar's aggregate classification.

NM_001370298.3(FGD4):c.*3367G>T

Gene: FGD4 (FYVE, RhoGEF and PH domain containing 4; plus strand). Cytogenetic location: 12p11.21.
Variant type: single nucleotide variant.
Coding change: c.*3367G>T on transcript NM_001370298.3 (MANE Select); 3367 bases downstream of the stop codon, G replaced by T.
Molecular consequence: 3 prime UTR variant. On other transcripts: intron variant (3).
Genome position (GRCh38, 1-based): chr12:32,643,900, G>T. VCF-style: chr12-32643900-G-T. GRCh37 (hg19) VCF-style: chr12-32796834-G-T.
Other names: NC_000012.11:g.32796834G>T; c.*3367G>T (NM_001304481.2, NM_001304484.2, NM_001330373.2 and 5 more transcripts); c.2633-694G>T (NM_001384126.1); c.2222-694G>T (NM_001384127.1, NM_001384128.1).
Identifiers: ClinVar variation 308346 (VCV000308346.6), dbSNP rs188648275, ClinGen allele CA10641888.